The following is an entry in ClinVar:

ClinVar aggregate classification (germline): Pathogenic/Likely pathogenic. Review status: criteria provided, multiple submitters, no conflicts (2 of 4 stars). 2 submissions from 2 submitters: Pathogenic (1); Likely pathogenic (1). Last evaluated 2023-07-25.

Conditions:
Glucocorticoid deficiency with achalasia (AAAS). Also called: ALACRIMA-ACHALASIA-ADRENAL INSUFFICIENCY NEUROLOGIC DISORDER; Achalasia-addisonianism-alacrimia syndrome; Achalasia-Addisonianism-Alacrima (Triple-A) Syndrome; Triple-A syndrome; AAA syndrome; Allgrove syndrome. Identifiers: Orphanet 869, MedGen C0271742, MONDO:0009279, OMIM 231550.

Submissions (3):

Labcorp Genetics (formerly Invitae), Labcorp
Classification: Pathogenic. Last evaluated: 2023-07-25. Review status: criteria provided, single submitter. Criteria: Invitae Variant Classification Sherloc (09022015). Collection method: clinical testing. Allele origin: germline.
Comment: For these reasons, this variant has been classified as Pathogenic. Algorithms developed to predict the effect of sequence changes on RNA splicing suggest that this variant may disrupt the consensus splice site. ClinVar contains an entry for this variant (Variation ID: 638496). This variant has not been reported in the literature in individuals affected with AAAS-related conditions. This variant is not present in population databases (gnomAD no frequency). This sequence change creates a premature translational stop signal (p.Val313Leufs*9) in the AAAS gene. It is expected to result in an absent or disrupted protein product. Loss-of-function variants in AAAS are known to be pathogenic (PMID: 11159947).

Genomic Research Center, Shahid Beheshti University of Medical Sciences
Classification: Likely pathogenic for Glucocorticoid deficiency with achalasia. Last evaluated: 2019-04-27. Review status: criteria provided, single submitter. Criteria: ACMG Guidelines, 2015. Collection method: clinical testing. Allele origin: unknown. Affected: no.

Dr. Peter K. Rogan Lab, Western University
No classification provided (evidence only). Condition: Germ cell tumor of testis. Review status: no classification provided. Collection method: in vitro. Allele origin: not applicable. Functional consequence: retained intron. Not counted in ClinVar's aggregate classification.

Literature cited by the submitters: PubMed 11159947 (cited by Labcorp Genetics (formerly Invitae), Labcorp).

NM_015665.6(AAAS):c.936-2_936-1del

Gene: AAAS (aladin WD repeat nucleoporin; minus strand). Cytogenetic location: 12q13.13.
Variant type: Microsatellite.
Coding change: c.936-2_936-1del on transcript NM_015665.6 (MANE Select); the canonical splice acceptor site of the intron before coding-DNA position 936, 2 bases deleted (AG; older notation c.936-2_936-1delAG).
Molecular consequence: splice acceptor variant.
Genome position (GRCh38, 1-based): chr12:53,309,019-53,309,020, CT deleted on the plus strand (AG on the coding strand, the reverse complement: AAAS is on the minus strand); deleting any 2 consecutive bases within chr12:53,309,019-53,309,022 gives the same sequence; the c. name uses the placement nearest the transcript's 3' end. VCF-style (leftmost placement, unchanged base first): chr12-53309018-ACT-A. GRCh37 (hg19) VCF-style: chr12-53702802-ACT-A.
Other names: NC_000012.11:g.53702805_53702806del.
Identifiers: ClinVar variation 638496 (VCV000638496.8), dbSNP rs1592513048, ClinGen allele CA915948329.
Genomic context (GRCh38, chr12:53,309,018, plus strand): 5'-ACCTGACAGCGCCCTGATAGAGTAGGCCACCTCTCACAAGTCCACATCTGGGCCTCCCAG[ACT>A]CTGAGCCAGAGAAAAGCAAATTACAGCTCAGGACCTCTAAGTTCTAAAAGTTGGACCTAC-3'